The following is an entry in ClinVar:

NM_001288705.3(CSF1R):c.*36A>C

Gene: CSF1R (colony stimulating factor 1 receptor; minus strand). Cytogenetic location: 5q32.
Variant type: single nucleotide variant.
Coding change: c.*36A>C on transcript NM_001288705.3 (MANE Select); 36 bases downstream of the stop codon, A replaced by C.
Molecular consequence: 3 prime UTR variant. On other transcripts: non-coding transcript variant (2).
Genome position (GRCh38, 1-based): chr5:150,054,033, T>G on the plus strand (A>C on the coding strand, the complement: CSF1R is on the minus strand). VCF-style: chr5-150054033-T-G. GRCh37 (hg19) VCF-style: chr5-149433596-T-G.
Other names: c.*36A>C (NM_001349736.2, NM_001375320.1, NM_001375321.1 and 1 more transcripts).
Identifiers: ClinVar variation 352120 (VCV000352120.11), dbSNP rs2066934, ClinGen allele CA3506275.

ClinVar aggregate classification (germline): Benign. Review status: criteria provided, multiple submitters, no conflicts (2 of 4 stars). 4 submissions from 3 submitters: Benign (4). Last evaluated 2021-07-30.

Conditions:
Brain abnormalities, neurodegeneration, and dysosteosclerosis. Identifiers: MedGen C5193117, MONDO:0032772, OMIM 618476.
Hereditary diffuse leukoencephalopathy with spheroids. Also called: LEUKOENCEPHALOPATHY, ADULT-ONSET, WITH AXONAL SPHEROIDS AND PIGMENTED GLIA. Identifiers: Orphanet 313808, MedGen C3711381, MONDO:0030796.

Allele frequency attached by ClinVar (database versions not stated): ESP Exome Variant Server 0.48078; gnomAD exomes 0.76412 and 0.77011; ExAC 0.77537; 1000 Genomes Project 0.79673; 1000 Genomes Project 30x 0.80200; gnomAD 0.81783 and 0.82488; TOPMed 0.82128.

Submissions (4):

Genome-Nilou Lab
Classification: Benign for Brain abnormalities, neurodegeneration, and dysosteosclerosis. Last evaluated: 2021-07-30. Review status: criteria provided, single submitter. Criteria: ACMG Guidelines, 2015. Collection method: clinical testing. Allele origin: germline. Affected: no.

Genome-Nilou Lab
Classification: Benign for Leukoencephalopathy, diffuse hereditary, with spheroids 1. Last evaluated: 2021-07-30. Review status: criteria provided, single submitter. Criteria: ACMG Guidelines, 2015. Collection method: clinical testing. Allele origin: germline. Affected: no.

GeneDx
Classification: Benign. Last evaluated: 2021-05-10. Review status: criteria provided, single submitter. Criteria: GeneDx Variant Classification Process June 2021. Collection method: clinical testing. Allele origin: germline. Affected: yes.

Illumina Laboratory Services, Illumina
Classification: Benign for Leukoencephalopathy, diffuse hereditary, with spheroids 1. Last evaluated: 2018-01-12. Review status: criteria provided, single submitter. Criteria: ICSL Variant Classification Criteria 13 December 2019. Collection method: clinical testing. Allele origin: germline.
Comment: This variant was observed in the ICSL laboratory as part of a predisposition screen in an ostensibly healthy population. It had not been previously curated by ICSL or reported in the Human Gene Mutation Database (HGMD: prior to June 1st, 2018), and was therefore a candidate for classification through an automated scoring system. Utilizing variant allele frequency, disease prevalence and penetrance estimates, and inheritance mode, an automated score was calculated to assess if this variant is too frequent to cause the disease. Based on the score and internal cut-off values, a variant classified as benign is not then subjected to further curation. The score for this variant resulted in a classification of benign for this disease.